The following is an entry in ClinVar:

NM_152564.5(VPS13B):c.11044+6G>A

Gene: VPS13B (vacuolar protein sorting 13 homolog B; plus strand). Cytogenetic location: 8q22.2.
Variant type: single nucleotide variant.
Coding change: c.11044+6G>A on transcript NM_152564.5 (MANE Select); 6 bases into the intron after coding-DNA position 11044, G replaced by A.
Molecular consequence: intron variant.
Genome position (GRCh38, 1-based): chr8:99,859,486, G>A. VCF-style: chr8-99859486-G-A. GRCh37 (hg19) VCF-style: chr8-100871714-G-A.
Other names: c.11119+6G>A (NM_017890.5); c.11044+6G>A (NM_152564.4).
Identifiers: ClinVar variation 648602 (VCV000648602.10), dbSNP rs369477759, ClinGen allele CA4825104.

ClinVar aggregate classification (germline): Conflicting classifications of pathogenicity. Review status: criteria provided, conflicting classifications (1 of 4 stars). 4 submissions from 4 submitters: Uncertain significance (1); Likely benign (1). 2 of the submissions do not count toward it. Last evaluated 2024-02-12.

Conditions:
Cohen syndrome (COH1). Also called: Cutis verticis gyrata, retinitis pigmentosa, and sensorineural deafness; PEPPER SYNDROME. Identifiers: Orphanet 193, MedGen C0265223, MONDO:0008999, OMIM 216550.
VPS13B-related disorder. Also called: VPS13B-related condition.

Allele frequency attached by ClinVar (database versions not stated): gnomAD 0.00001 and 0.00007; TOPMed 0.00003; gnomAD exomes 0.00006 and 0.00009; ExAC 0.00012; 1000 Genomes Project 0.00040; 1000 Genomes Project 30x 0.00047.
gnomAD v4.1: 99 of 1,613,326 alleles (0.0061%); highest among the groups gnomAD compares: South Asian, 0.037%; no homozygotes.

Submissions (4):

Blueprint Genetics
Classification: Likely benign. Last evaluated: 2024-02-12. Review status: criteria provided, single submitter. Criteria: ACMG Guidelines, 2015. Collection method: clinical testing. Allele origin: germline.

Labcorp Genetics (formerly Invitae), Labcorp
Classification: Uncertain significance for Cohen syndrome. Last evaluated: 2022-11-01. Review status: criteria provided, single submitter. Criteria: Invitae Variant Classification Sherloc (09022015). Collection method: clinical testing. Allele origin: germline.
Comment: This sequence change falls in intron 57 of the VPS13B gene. It does not directly change the encoded amino acid sequence of the VPS13B protein. It affects a nucleotide within the consensus splice site. This variant is present in population databases (rs369477759, gnomAD 0.05%). This variant has not been reported in the literature in individuals affected with VPS13B-related conditions. ClinVar contains an entry for this variant (Variation ID: 648602). Variants that disrupt the consensus splice site are a relatively common cause of aberrant splicing (PMID: 17576681, 9536098). Algorithms developed to predict the effect of sequence changes on RNA splicing suggest that this variant is not likely to affect RNA splicing. In summary, the available evidence is currently insufficient to determine the role of this variant in disease. Therefore, it has been classified as a Variant of Uncertain Significance.

PreventionGenetics, part of Exact Sciences
Classification: Likely benign for VPS13B-related condition. Last evaluated: 2021-07-27. Review status: no assertion criteria provided. Collection method: clinical testing. Allele origin: germline. Not counted in ClinVar's aggregate classification.
Comment: This variant is classified as likely benign based on ACMG/AMP sequence variant interpretation guidelines (Richards et al. 2015 PMID: 25741868, with internal and published modifications).

Natera, Inc.
Classification: Uncertain significance for Cohen syndrome. Last evaluated: 2020-03-17. Review status: no assertion criteria provided. Collection method: clinical testing. Allele origin: germline. Not counted in ClinVar's aggregate classification.

Literature cited by the submitters: PubMed 17576681 (cited by Labcorp Genetics (formerly Invitae), Labcorp); PubMed 9536098 (cited by Labcorp Genetics (formerly Invitae), Labcorp).